The following is an entry in ClinVar:

NM_001042492.3(NF1):c.7480T>C (p.Trp2494Arg)

Gene: NF1 (neurofibromin 1; plus strand). Cytogenetic location: 17q11.2.
Variant type: single nucleotide variant.
Coding change: c.7480T>C on transcript NM_001042492.3 (MANE Select); coding-DNA position 7480, T replaced by C.
Protein change: p.Trp2494Arg; replaces tryptophan 2494 with arginine.
Molecular consequence: missense variant.
Genome position (GRCh38, 1-based): chr17:31,352,279, T>C. VCF-style: chr17-31352279-T-C. GRCh37 (hg19) VCF-style: chr17-29679297-T-C.
Other names: c.7417T>C, p.Trp2473Arg (NM_000267.4); short protein forms W2473R, W2494R.
Identifiers: ClinVar variation 3237938 (VCV003237938.1), dbSNP rs2508811438.

ClinVar aggregate classification (germline): Uncertain significance (1 of 4 stars; one submission).

Conditions:
Hereditary cancer-predisposing syndrome. Also called: Neoplastic Syndromes, Hereditary; Tumor predisposition; Hereditary neoplastic syndrome; Hereditary Cancer Syndrome. Identifiers: Orphanet 140162, MedGen C0027672, MeSH D009386, MONDO:0015356.
Cardiovascular phenotype. Identifiers: MedGen CN230736.

Submission:

Ambry Genetics
Classification: Uncertain significance for Cardiovascular phenotype; Hereditary cancer-predisposing syndrome. Last evaluated: 2023-05-15. Review status: criteria provided, single submitter. Criteria: Ambry Variant Classification Scheme 2023. Collection method: clinical testing. Allele origin: germline.
Comment: The p.W2473R variant (also known as c.7417T>C), located in coding exon 50 of the NF1 gene, results from a T to C substitution at nucleotide position 7417. The tryptophan at codon 2473 is replaced by arginine, an amino acid with dissimilar properties. This amino acid position is conserved. In addition, the in silico prediction for this alteration is inconclusive. Since supporting evidence is limited at this time, the clinical significance of this alteration remains unclear.